The following is an entry in ClinVar:

NM_001103.4(ACTN2):c.1255+5G>A

Gene: ACTN2 (actinin alpha 2; plus strand). Cytogenetic location: 1q43.
Variant type: single nucleotide variant.
Coding change: c.1255+5G>A on transcript NM_001103.4 (MANE Select); 5 bases into the intron after coding-DNA position 1255, G replaced by A.
Molecular consequence: intron variant.
Genome position (GRCh38, 1-based): chr1:236,743,048, G>A. VCF-style: chr1-236743048-G-A. GRCh37 (hg19) VCF-style: chr1-236906348-G-A.
Other names: c.1255+5G>A (NM_001278343.2).
Identifiers: ClinVar variation 4002244 (VCV004002244.1).

ClinVar aggregate classification (germline): Uncertain significance (1 of 4 stars; one submission).

Conditions:
Cardiovascular phenotype. Identifiers: MedGen CN230736.

Submission:

Ambry Genetics
Classification: Uncertain significance for Cardiovascular phenotype. Last evaluated: 2025-06-13. Review status: criteria provided, single submitter. Criteria: Ambry Variant Classification Scheme 2023. Collection method: clinical testing. Allele origin: germline.
Comment: The c.1255+5G>A intronic variant results from a G to A substitution 5 nucleotides after coding exon 11 in the ACTN2 gene. This nucleotide position is well conserved in available vertebrate species. In silico splice site analysis predicts that this alteration may weaken the native splice donor site. Based on the available evidence, the clinical significance of this variant remains unclear.